The following is an entry in ClinVar:

ClinVar aggregate classification (germline): Uncertain significance (1 of 4 stars; one submission).

Conditions:
TTN-related disorder. Also called: TTN-related disorders; TTN-related condition; TTN-related disease.

gnomAD v4.1: 16 of 1,613,202 alleles (0.00099%); highest among the groups gnomAD compares: Non-Finnish European, 0.0014%; no homozygotes.

Submission:

PreventionGenetics, part of Exact Sciences
Classification: Uncertain significance for TTN-related condition. Last evaluated: 2026-03-26. Review status: criteria provided, single submitter. Criteria: ACMG Guidelines, 2015. Collection method: clinical testing. Allele origin: germline.
Comment: The TTN c.68101A>G variant is predicted to result in the amino acid substitution p.Thr22701Ala. To our knowledge, this variant has not been reported in the literature. This variant is reported in 0.00089% of alleles in individuals of European (Non-Finnish) descent in gnomAD. At this time, the clinical significance of this variant is uncertain due to the absence of conclusive functional and genetic evidence.

NM_001267550.2(TTN):c.68101A>G (p.Thr22701Ala)

Genes: TTN (titin; minus strand), TTN-AS1 (TTN antisense RNA 1; plus strand), LOC126806423 (CDK7 strongly-dependent group 2 enhancer GRCh37_chr2:179443309-179444508; plus strand). Cytogenetic location: 2q31.2.
Variant type: single nucleotide variant.
Coding change: c.68101A>G on transcript NM_001267550.2 (MANE Select); coding-DNA position 68101, A replaced by G.
Protein change: p.Thr22701Ala; replaces threonine 22701 with alanine.
Molecular consequence: missense variant.
Genome position (GRCh38, 1-based): chr2:178,578,929, T>C on the plus strand (A>G on the coding strand, the complement: TTN is on the minus strand). VCF-style: chr2-178578929-T-C. GRCh37 (hg19) VCF-style: chr2-179443656-T-C.
Other names: c.63178A>G, p.Thr21060Ala (NM_001256850.1); c.40906A>G, p.Thr13636Ala (NM_003319.4); c.60397A>G, p.Thr20133Ala (NM_133378.4); c.41281A>G, p.Thr13761Ala (NM_133432.3); c.41482A>G, p.Thr13828Ala (NM_133437.4); short protein forms T21060A, T13761A, T20133A, T22701A, T13636A, T13828A.
Identifiers: ClinVar variation 4984576 (VCV004984576.1).
Genomic context (GRCh38, chr2:178,578,929, plus strand): 5'-CGGCACTGACCCTGAAGGTATATTCCATGCCCTCATGAAGTCTGGTTACTCTAAAGGTGG[T>C]TTTCTGGACAGCTGAGGCGCACGTCACCCACTTGTTGTTCACAGAATCCCTCTTCTCTAG-3'
Protein context (NP_001254479.2, residues 22691-22711): WVTCASAVQK[Thr22701Ala]TFRVTRLHEG